The following is an entry in ClinVar:

NM_018335.6(ZNF839):c.6G>T (p.Ala2=)

Gene: ZNF839 (zinc finger protein 839; plus strand). Cytogenetic location: 14q32.31.
Variant type: single nucleotide variant.
Coding change: c.6G>T on transcript NM_018335.6 (MANE Select); coding-DNA position 6, G replaced by T.
Protein change: p.Ala2=; no amino-acid change (alanine 2 retained).
Molecular consequence: synonymous variant. On other transcripts: non-coding transcript variant (5), intron variant (8).
Genome position (GRCh38, 1-based): chr14:102,319,771, G>T. VCF-style: chr14-102319771-G-T. GRCh37 (hg19) VCF-style: chr14-102786108-G-T.
Other names: c.6G>T, p.Ala2= (NM_001385065.1, NM_001385072.1, NM_001385073.1); c.-61+253G>T (NM_001267828.2, NM_001385075.1); c.-248+2105G>T (NM_001385069.1); c.-61+2105G>T (NM_001267827.2, NM_001385076.1, NM_001385070.1 and 1 more transcripts); c.-54+2105G>T (NM_001385074.1).
Identifiers: ClinVar variation 2644578 (VCV002644578.24), dbSNP rs527395887, ClinGen allele CA7356419.

ClinVar aggregate classification (germline): Likely benign (1 of 4 stars; one submission).

Allele frequency attached by ClinVar (database versions not stated): 1000 Genomes Project 0.00040; 1000 Genomes Project 30x 0.00078; TOPMed 0.00147; gnomAD 0.00170; gnomAD exomes 0.00258; ExAC 0.02778.
gnomAD v4.1: 3,030 of 1,230,754 alleles (0.25%); highest among the groups gnomAD compares: Non-Finnish European, 0.28%; 5 homozygotes.

Submission:

CeGaT Center for Human Genetics Tuebingen
Classification: Likely benign. Last evaluated: 2022-07-01. Review status: criteria provided, single submitter. Criteria: CeGaT Center For Human Genetics Tuebingen Variant Classification Criteria Version 2. Collection method: clinical testing. Allele origin: germline. Affected: yes. Observed: 1 variant allele.
Comment: ZNF839: BP4, BP7